The following is an entry in ClinVar:

ClinVar aggregate classification (germline): Likely pathogenic. Review status: criteria provided, multiple submitters, no conflicts (2 of 4 stars). 2 submissions from 2 submitters: Likely pathogenic (2). Last evaluated 2026-01-14.

Conditions:
Saethre-Chotzen syndrome (SCS). Also called: ACROCEPHALY, SKULL ASYMMETRY, AND MILD SYNDACTYLY; ACS III; CHOTZEN SYNDROME. Identifiers: Orphanet 794, MedGen C0175699, MONDO:0007042, OMIM 101400.
TWIST1-related craniosynostosis (CRS1). Also called: CRANIOSYNOSTOSIS 1. Identifiers: Orphanet 63440, MedGen C4551902, MONDO:0007399, OMIM 123100. Inheritance: Heterogenous inheritance pattern.

Submissions (2):

MVZ Martinsried, Medicover Genetics
Classification: Likely pathogenic for Saethre-Chotzen syndrome. Last evaluated: 2026-01-14. Review status: criteria provided, single submitter. Criteria: ClinGen Variant Curation SOP V3.2 + Classification Guidance July2025. Collection method: clinical testing. Allele origin: inherited. Affected: yes. Observed: 1 heterozygote.

Labcorp Genetics (formerly Invitae), Labcorp
Classification: Likely pathogenic for TWIST1-related craniosynostosis; Saethre-Chotzen syndrome. Last evaluated: 2021-05-28. Review status: criteria provided, single submitter. Criteria: Invitae Variant Classification Sherloc (09022015). Collection method: clinical testing. Allele origin: germline.
Comment: This sequence change replaces proline with serine at codon 139 of the TWIST1 protein (p.Pro139Ser). The proline residue is highly conserved and there is a moderate physicochemical difference between proline and serine. This variant is not present in population databases (ExAC no frequency). This variant has been observed in individual(s) with Saethre-Chotzen syndrome (PMID: 9585583, 25271085). Algorithms developed to predict the effect of missense changes on protein structure and function (SIFT, PolyPhen-2, Align-GVGD) all suggest that this variant is likely to be disruptive, but these predictions have not been confirmed by published functional studies and their clinical significance is uncertain. This variant disrupts the p.Pro139 amino acid residue in TWIST1. Other variant(s) that disrupt this residue have been determined to be pathogenic (PMID: 19483581). This suggests that this residue is clinically significant, and that variants that disrupt this residue are likely to be disease-causing. In summary, the currently available evidence indicates that the variant is pathogenic, but additional data are needed to prove that conclusively. Therefore, this variant has been classified as Likely Pathogenic.

Literature cited by the submitters: PubMed 9585583 (cited by Labcorp Genetics (formerly Invitae), Labcorp); PubMed 25271085 (cited by Labcorp Genetics (formerly Invitae), Labcorp); PubMed 19483581 (cited by Labcorp Genetics (formerly Invitae), Labcorp).

NM_000474.4(TWIST1):c.415C>T (p.Pro139Ser)

Gene: TWIST1 (twist family bHLH transcription factor 1; minus strand). Cytogenetic location: 7p21.1.
Variant type: single nucleotide variant.
Coding change: c.415C>T on transcript NM_000474.4 (MANE Select); coding-DNA position 415, C replaced by T.
Protein change: p.Pro139Ser; replaces proline 139 with serine.
Molecular consequence: missense variant. On other transcripts: non-coding transcript variant (1).
Genome position (GRCh38, 1-based): chr7:19,116,907, G>A on the plus strand (C>T on the coding strand, the complement: TWIST1 is on the minus strand). VCF-style: chr7-19116907-G-A. GRCh37 (hg19) VCF-style: chr7-19156530-G-A.
Other names: short protein forms P139S.
Identifiers: ClinVar variation 1488653 (VCV001488653.9), dbSNP rs2115396651, ClinGen allele CA367015489.